The following is an entry in ClinVar:

NM_004183.4(BEST1):c.928A>G (p.Ile310Val)

Gene: BEST1 (bestrophin 1; plus strand). Cytogenetic location: 11q12.3.
Variant type: single nucleotide variant.
Coding change: c.928A>G on transcript NM_004183.4 (MANE Select); coding-DNA position 928, A replaced by G.
Protein change: p.Ile310Val; replaces isoleucine 310 with valine.
Molecular consequence: missense variant. On other transcripts: intron variant (1), synonymous variant (1), non-coding transcript variant (1).
Genome position (GRCh38, 1-based): chr11:61,959,558, A>G. VCF-style: chr11-61959558-A-G. GRCh37 (hg19) VCF-style: chr11-61727030-A-G.
Other names: c.688-334A>G (NM_001300786.2); c.748A>G, p.Ile250Val (NM_001139443.3, NM_001300787.2); c.610A>G, p.Ile204Val (NM_001363591.3); c.1131A>G, p.Gly377= (NM_001363592.2); c.-45A>G (NM_001363593.3); short protein forms I250V, I310V, I204V.
Identifiers: ClinVar variation 1426064 (VCV001426064.6), dbSNP rs1247710193, ClinGen allele CA380844051.

ClinVar aggregate classification (germline): Uncertain significance (1 of 4 stars; one submission).

Allele frequency attached by ClinVar (database versions not stated): gnomAD exomes below 0.00001; gnomAD 0.00001; TOPMed 0.00001.

Submission:

Labcorp Genetics (formerly Invitae), Labcorp
Classification: Uncertain significance. Last evaluated: 2023-11-27. Review status: criteria provided, single submitter. Criteria: Invitae Variant Classification Sherloc (09022015). Collection method: clinical testing. Allele origin: germline.
Comment: This sequence change replaces isoleucine, which is neutral and non-polar, with valine, which is neutral and non-polar, at codon 310 of the BEST1 protein (p.Ile310Val). This variant is not present in population databases (gnomAD no frequency). This variant has not been reported in the literature in individuals affected with BEST1-related conditions. ClinVar contains an entry for this variant (Variation ID: 1426064). Advanced modeling of protein sequence and biophysical properties (such as structural, functional, and spatial information, amino acid conservation, physicochemical variation, residue mobility, and thermodynamic stability) has been performed at Invitae for this missense variant, however the output from this modeling did not meet the statistical confidence thresholds required to predict the impact of this variant on BEST1 protein function. This variant disrupts the p.Ile310 amino acid residue in BEST1. Other variant(s) that disrupt this residue have been determined to be pathogenic (PMID: 10854112, 21109774, 25082885). This suggests that this residue is clinically significant, and that variants that disrupt this residue are likely to be disease-causing. In summary, the available evidence is currently insufficient to determine the role of this variant in disease. Therefore, it has been classified as a Variant of Uncertain Significance.

Literature cited by the submitters: PubMed 10854112; PubMed 21109774; PubMed 25082885.